The following is an entry in ClinVar:

NM_006086.4(TUBB3):c.617C>T (p.Ala206Val)

Gene: TUBB3 (tubulin beta 3 class III; plus strand). Cytogenetic location: 16q24.3.
Variant type: single nucleotide variant.
Coding change: c.617C>T on transcript NM_006086.4 (MANE Select); coding-DNA position 617, C replaced by T.
Protein change: p.Ala206Val; replaces alanine 206 with valine.
Molecular consequence: missense variant.
Genome position (GRCh38, 1-based): chr16:89,935,068, C>T. VCF-style: chr16-89935068-C-T. GRCh37 (hg19) VCF-style: chr16-90001476-C-T.
Other names: c.401C>T, p.Ala134Val (NM_001197181.2); short protein forms A134V, A206V.
Identifiers: ClinVar variation 4527044 (VCV004527044.1).

ClinVar aggregate classification (germline): Uncertain significance (1 of 4 stars; one submission).

gnomAD v4.1: 1 of 1,614,190 alleles (0.000062%); highest among the groups gnomAD compares: African/African-American, 0.0013%; no homozygotes.

Submission:

GeneDx
Classification: Uncertain significance. Last evaluated: 2025-05-06. Review status: criteria provided, single submitter. Criteria: GeneDx Variant Classification Process June 2021. Collection method: clinical testing. Allele origin: germline. Affected: yes.
Comment: De novo variant in a patient in published literature from a cohort of individuals with schizophrenia; however, detailed clinical information was not provided (PMID: 36863698); Not observed at significant frequency in large population cohorts (gnomAD); Missense variants in this gene are a common cause of disease and they are underrepresented in the general population; In silico analysis supports that this missense variant has a deleterious effect on protein structure/function; This variant is associated with the following publications: (PMID: 20829227, 36863698)